The following is an entry in ClinVar:

ClinVar aggregate classification (germline): Benign. Review status: criteria provided, multiple submitters, no conflicts (2 of 4 stars). 3 submissions from 3 submitters: Benign (2). 1 of the submissions does not count toward it. Last evaluated 2026-01-18.

Conditions:
FBN3-related disorder. Also called: FBN3-related condition.

Allele frequency attached by ClinVar (database versions not stated): 1000 Genomes Project 0.01577; TOPMed 0.01697; ESP Exome Variant Server 0.01776; 1000 Genomes Project 30x 0.01640.
gnomAD v4.1: 4,472 of 1,612,934 alleles (0.28%); highest among the groups gnomAD compares: African/African-American, 5.3%; 125 homozygotes.

Submissions (3):

Labcorp Genetics (formerly Invitae), Labcorp
Classification: Benign. Last evaluated: 2026-01-18. Review status: criteria provided, single submitter. Criteria: Invitae Variant Classification Sherloc (09022015). Collection method: clinical testing. Allele origin: germline.

Breakthrough Genomics
Classification: Benign. Review status: criteria provided, single submitter. Criteria: ACMG Guidelines, 2015. Collection method: not provided. Allele origin: germline. Inheritance: Unknown mechanism. Affected: yes.

PreventionGenetics, part of Exact Sciences
Classification: Benign for FBN3-related condition. Last evaluated: 2019-03-21. Review status: no assertion criteria provided. Collection method: clinical testing. Allele origin: germline. Not counted in ClinVar's aggregate classification.
Comment: This variant is classified as benign based on ACMG/AMP sequence variant interpretation guidelines (Richards et al. 2015 PMID: 25741868, with internal and published modifications).

NM_032447.5(FBN3):c.579C>G (p.Pro193=)

Gene: FBN3 (fibrillin 3; minus strand). Cytogenetic location: 19p13.2.
Variant type: single nucleotide variant.
Coding change: c.579C>G on transcript NM_032447.5 (MANE Select); coding-DNA position 579, C replaced by G.
Protein change: p.Pro193=; no amino-acid change (proline 193 retained).
Molecular consequence: synonymous variant.
Genome position (GRCh38, 1-based): chr19:8,142,100, G>C on the plus strand (C>G on the coding strand, the complement: FBN3 is on the minus strand). VCF-style: chr19-8142100-G-C. GRCh37 (hg19) VCF-style: chr19-8206984-G-C.
Other names: c.579C>G, p.Pro193= (NM_001321431.2); c.579C>G (NM_001321431.1).
Identifiers: ClinVar variation 782621 (VCV000782621.12), dbSNP rs35460337, ClinGen allele CA9153659.